The following is an entry in ClinVar:

NM_003051.4(SLC16A1):c.938G>A (p.Arg313Gln)

Gene: SLC16A1 (solute carrier family 16 member 1; minus strand). Cytogenetic location: 1p13.2.
Variant type: single nucleotide variant.
Coding change: c.938G>A on transcript NM_003051.4 (MANE Select); coding-DNA position 938, G replaced by A.
Protein change: p.Arg313Gln; replaces arginine 313 with glutamine.
Molecular consequence: missense variant.
Genome position (GRCh38, 1-based): chr1:112,917,468, C>T on the plus strand (G>A on the coding strand, the complement: SLC16A1 is on the minus strand). VCF-style: chr1-112917468-C-T. GRCh37 (hg19) VCF-style: chr1-113460090-C-T.
Other names: c.938G>A, p.Arg313Gln (NM_001166496.2); short protein forms R313Q.
Identifiers: ClinVar variation 158085 (VCV000158085.2), dbSNP rs606231302, ClinGen allele CA171492.
Genomic context (GRCh38, chr1:112,917,468, plus strand): 5'-AAGAAATACTGAATTCGAGGTCTTATTGGCTTTGTGTTGGCTACAAGTCCCATAGATGGT[C>T]GGGCTACCATGTCAACAAAAGCCAGAATGGAAAGAAGGAAGGCAGACTTCTCACTAGAAT-3'
Protein context (NP_003042.3, residues 303-323): SILAFVDMVA[Arg313Gln]PSMGLVANTK

ClinVar aggregate classification (germline): Uncertain significance. Review status: criteria provided, single submitter (1 of 4 stars). 2 submissions from 2 submitters: Uncertain significance (1). 1 of the submissions does not count toward it. Last evaluated 2025-12-30.

Conditions:
Monocarboxylate transporter 1 deficiency, autosomal dominant. Identifiers: MedGen C4016684.

Allele frequency attached by ClinVar (database versions not stated): TOPMed below 0.00001; ExAC 0.00001.

Submissions (2):

Labcorp Genetics (formerly Invitae), Labcorp
Classification: Uncertain significance. Last evaluated: 2025-12-30. Review status: criteria provided, single submitter. Criteria: Invitae Variant Classification Sherloc (09022015). Collection method: clinical testing. Allele origin: germline.
Comment: This sequence change replaces arginine, which is basic and polar, with glutamine, which is neutral and polar, at codon 313 of the SLC16A1 protein (p.Arg313Gln). This variant is present in population databases (rs606231302, gnomAD 0.0009%). This missense change has been observed in individual(s) with autosomal dominant SLC16A1-related conditions (PMID: 25390740). ClinVar contains an entry for this variant (Variation ID: 158085). An algorithm developed to predict the effect of missense changes on protein structure and function (PolyPhen-2) suggests that this variant is likely to be disruptive. In summary, the available evidence is currently insufficient to determine the role of this variant in disease. Therefore, it has been classified as a Variant of Uncertain Significance.

OMIM
Classification: Pathogenic for MONOCARBOXYLATE TRANSPORTER 1 DEFICIENCY, AUTOSOMAL DOMINANT. Last evaluated: 2014-11-13. Review status: no assertion criteria provided. Collection method: literature only. Allele origin: germline. Not counted in ClinVar's aggregate classification.

Literature cited by the submitters: PubMed 25390740 (cited by Labcorp Genetics (formerly Invitae), Labcorp); van Hasselt, P. M., Ferdinandusse, S., Monroe, G. R., Ruiter, J. P. N., Turkenburg, M., Geerlings, M. J., Duran, K., Harakalova, M., van der Zwaag, B., Monavari, A. A., Okur, I., Sharrard, M. J., and 11 others Monocarboxylate transporter 1 deficiency and ketone utilization. New Eng. J. Med. 371: 1900-1907, 2014. (cited by OMIM).